The following is an entry in ClinVar:

ClinVar aggregate classification (germline): Benign. Review status: criteria provided, multiple submitters, no conflicts (2 of 4 stars). 17 submissions from 15 submitters: Benign (11). 6 of the submissions do not count toward it. Last evaluated 2026-02-04.

Conditions:
Acrocallosal syndrome (ACLS). Also called: HALLUX DUPLICATION, POSTAXIAL POLYDACTYLY, AND ABSENCE OF CORPUS CALLOSUM; Schinzel syndrome 1; Absence of corpus callosum with unusual facial appearance, mental deficiency, duplication of the halluces and polydactyly. Identifiers: Orphanet 36, MedGen C0796147, MONDO:0008708, OMIM 200990.
Multiple epiphyseal dysplasia, Al-Gazali type. Also called: Macrocephaly with multiple epiphyseal dysplasia and distinctive facies. Identifiers: Orphanet 166024, MedGen C1846722, MONDO:0011778, OMIM 607131.
Hydrolethalus syndrome 2 (HLS2). Identifiers: Orphanet 2189, MedGen C3279899, MONDO:0013585, OMIM 614120.

Allele frequency attached by ClinVar (database versions not stated): 1000 Genomes Project 0.45108; 1000 Genomes Project 30x 0.45534; gnomAD exomes 0.49522 and 0.56256; TOPMed 0.51626; ExAC 0.52700; gnomAD 0.53128 and 0.53592; ESP Exome Variant Server 0.54472.
gnomAD v4.1: 879,096 of 1,573,864 alleles (56%); highest among the groups gnomAD compares: Non-Finnish European, 58%; 248,856 homozygotes.

Submissions (17):

Labcorp Genetics (formerly Invitae), Labcorp
Classification: Benign for Acrocallosal syndrome. Last evaluated: 2026-02-04. Review status: criteria provided, single submitter. Criteria: Invitae Variant Classification Sherloc (09022015). Collection method: clinical testing. Allele origin: germline.

Blueprint Genetics
Classification: Benign. Last evaluated: 2024-11-28. Review status: criteria provided, single submitter. Criteria: ACMG Guidelines, 2015. Collection method: clinical testing. Allele origin: germline.

Mayo Clinic Laboratories, Mayo Clinic
Classification: Benign. Last evaluated: 2022-03-09. Review status: criteria provided, single submitter. Criteria: ACMG Guidelines, 2015. Collection method: clinical testing. Allele origin: germline. Observed: 53 variant alleles.

Genome-Nilou Lab
Classification: Benign for Multiple epiphyseal dysplasia, Al-Gazali type. Last evaluated: 2021-08-19. Review status: criteria provided, single submitter. Criteria: ACMG Guidelines, 2015. Collection method: clinical testing. Allele origin: germline. Affected: no.

Genome-Nilou Lab
Classification: Benign for Hydrolethalus syndrome 2. Last evaluated: 2021-08-19. Review status: criteria provided, single submitter. Criteria: ACMG Guidelines, 2015. Collection method: clinical testing. Allele origin: germline. Affected: no.

Genome-Nilou Lab
Classification: Benign for Acrocallosal syndrome. Last evaluated: 2021-08-19. Review status: criteria provided, single submitter. Criteria: ACMG Guidelines, 2015. Collection method: clinical testing. Allele origin: germline. Affected: no.

Illumina Laboratory Services, Illumina
Classification: Benign for Acrocallosal syndrome. Last evaluated: 2018-01-13. Review status: criteria provided, single submitter. Criteria: ICSL Variant Classification Criteria 13 December 2019. Collection method: clinical testing. Allele origin: germline.
Comment: This variant was observed in the ICSL laboratory as part of a predisposition screen in an ostensibly healthy population. It had not been previously curated by ICSL or reported in the Human Gene Mutation Database (HGMD: prior to June 1st, 2018), and was therefore a candidate for classification through an automated scoring system. Utilizing variant allele frequency, disease prevalence and penetrance estimates, and inheritance mode, an automated score was calculated to assess if this variant is too frequent to cause the disease. Based on the score and internal cut-off values, a variant classified as benign is not then subjected to further curation. The score for this variant resulted in a classification of benign for this disease.

GeneDx
Classification: Benign. Last evaluated: 2015-03-03. Review status: criteria provided, single submitter. Criteria: GeneDx Variant Classification Process June 2021. Collection method: clinical testing. Allele origin: germline. Affected: yes.

Eurofins Ntd Llc (ga)
Classification: Benign. Last evaluated: 2014-11-14. Review status: criteria provided, single submitter. Criteria: EGL Classification Definitions 2015. Collection method: clinical testing. Allele origin: germline. Observed: 2 variant alleles, 1 heterozygote, 1 homozygote.

Breakthrough Genomics
Classification: Benign. Review status: criteria provided, single submitter. Criteria: ACMG Guidelines, 2015. Collection method: not provided. Allele origin: germline. Inheritance: Autosomal recessive inheritance. Affected: yes.

PreventionGenetics, part of Exact Sciences
Classification: Benign. Review status: criteria provided, single submitter. Criteria: ACMG Guidelines, 2015. Collection method: clinical testing. Allele origin: germline.

Clinical Genetics DNA and cytogenetics Diagnostics Lab, Erasmus MC, Erasmus Medical Center
Classification: Benign. Review status: no assertion criteria provided. Collection method: clinical testing. Allele origin: germline. Affected: yes. Study: VKGL Data-share Consensus. Not counted in ClinVar's aggregate classification.

Clinical Genetics, Academic Medical Center
Classification: Benign. Review status: no assertion criteria provided. Collection method: clinical testing. Allele origin: germline. Affected: yes. Study: VKGL Data-share Consensus. Not counted in ClinVar's aggregate classification.

Diagnostic Laboratory, Department of Genetics, University Medical Center Groningen
Classification: Benign. Review status: no assertion criteria provided. Collection method: clinical testing. Allele origin: germline. Affected: yes. Study: VKGL Data-share Consensus. Not counted in ClinVar's aggregate classification.

Genetic Services Laboratory, University of Chicago
Classification: Likely benign for AllHighlyPenetrant. Review status: no assertion criteria provided. Collection method: clinical testing. Allele origin: germline. Inheritance: Autosomal recessive inheritance. Not counted in ClinVar's aggregate classification.
Comment: Likely benign based on allele frequency in 1000 Genomes Project or ESP global frequency and its presence in a patient with a rare or unrelated disease phenotype. NOT Sanger confirmed.

Genome Diagnostics Laboratory, University Medical Center Utrecht
Classification: Benign. Review status: no assertion criteria provided. Collection method: clinical testing. Allele origin: germline. Affected: yes. Study: VKGL Data-share Consensus. Not counted in ClinVar's aggregate classification.

Joint Genome Diagnostic Labs from Nijmegen and Maastricht, Radboudumc and MUMC+
Classification: Benign. Review status: no assertion criteria provided. Collection method: clinical testing. Allele origin: germline. Affected: yes. Study: VKGL Data-share Consensus. Not counted in ClinVar's aggregate classification.

NM_198525.3(KIF7):c.3048G>A (p.Ser1016=)

Gene: KIF7 (kinesin family member 7; minus strand). Cytogenetic location: 15q26.1.
Variant type: single nucleotide variant.
Coding change: c.3048G>A on transcript NM_198525.3 (MANE Select); coding-DNA position 3048, G replaced by A.
Protein change: p.Ser1016=; no amino-acid change (serine 1016 retained).
Molecular consequence: synonymous variant.
Genome position (GRCh38, 1-based): chr15:89,631,558, C>T on the plus strand (G>A on the coding strand, the complement: KIF7 is on the minus strand). VCF-style: chr15-89631558-C-T. GRCh37 (hg19) VCF-style: chr15-90174789-C-T.
Other names: p.Ser1016=.
Identifiers: ClinVar variation 96655 (VCV000096655.36), dbSNP rs9672286, ClinGen allele CA020341.
Genomic context (GRCh38, chr15:89,631,558, plus strand): 5'-GGGGGACAGCAGACTCCCCTGCCTCAGCTTGCCGTCGATCTCCAGGCGCTGCTTGAGCAG[C>T]GAGTCCTTCTCCTGGCGCAGGCTGTCGATCTCCCCGCGGATCTGCTGCTGGCTCTGGGCG-3'
Protein context (NP_940927.2, residues 1006-1026): EIDSLRQEKD[Ser1016=]LLKQRLEIDG